The following is an entry in ClinVar:

NM_000321.3(RB1):c.2218A>G (p.Lys740Glu)

Gene: RB1 (RB transcriptional corepressor 1; plus strand). Cytogenetic location: 13q14.2.
Variant type: single nucleotide variant.
Coding change: c.2218A>G on transcript NM_000321.3 (MANE Select); coding-DNA position 2218, A replaced by G.
Protein change: p.Lys740Glu; replaces lysine 740 with glutamic acid.
Molecular consequence: missense variant.
Genome position (GRCh38, 1-based): chr13:48,465,004, A>G. VCF-style: chr13-48465004-A-G. GRCh37 (hg19) VCF-style: chr13-49039140-A-G.
Other names: c.2218A>G, p.Lys740Glu (NM_001407165.1); short protein forms K740E.
Identifiers: ClinVar variation 1787860 (VCV001787860.3), dbSNP rs2138344544, ClinGen allele CA388167471.

ClinVar aggregate classification (germline): Uncertain significance (1 of 4 stars; one submission).

Conditions:
Hereditary cancer-predisposing syndrome. Also called: Hereditary Cancer Syndrome; Hereditary neoplastic syndrome; Neoplastic Syndromes, Hereditary; Tumor predisposition. Identifiers: Orphanet 140162, MedGen C0027672, MeSH D009386, MONDO:0015356.

Submission:

Ambry Genetics
Classification: Uncertain significance for Hereditary cancer-predisposing syndrome. Last evaluated: 2026-08-13. Review status: criteria provided, single submitter. Criteria: Ambry Variant Classification Scheme 2023. Collection method: clinical testing. Allele origin: germline.
Comment: The p.K740E variant (also known as c.2218A>G), located in coding exon 22 of the RB1 gene, results from an A to G substitution at nucleotide position 2218. The lysine at codon 740 is replaced by glutamic acid, an amino acid with similar properties. This amino acid position is highly conserved in available vertebrate species. In addition, this alteration is predicted to be deleterious by in silico analysis. Based on the available evidence, the clinical significance of this variant remains unclear.